The following is an entry in ClinVar:

NM_000257.4(MYH7):c.4953+13A>T

Genes: MHRT (myosin heavy chain associated RNA transcript; plus strand), MYH7 (myosin heavy chain 7; minus strand), LOC126861897 (BRD4-independent group 4 enhancer GRCh37_chr14:23884455-23885654; plus strand). Cytogenetic location: 14q11.2.
Variant type: single nucleotide variant.
Coding change: c.4953+13A>T on transcript NM_000257.4 (MANE Select); 13 bases into the intron after coding-DNA position 4953, A replaced by T.
Molecular consequence: intron variant.
Genome position (GRCh38, 1-based): chr14:23,415,991, T>A on the plus strand (A>T on the coding strand, the complement: MYH7 is on the minus strand). VCF-style: chr14-23415991-T-A. GRCh37 (hg19) VCF-style: chr14-23885200-T-A.
Identifiers: ClinVar variation 43046 (VCV000043046.13), dbSNP rs373509029, ClinGen allele CA015488.

ClinVar aggregate classification (germline): Likely benign. Review status: criteria provided, multiple submitters, no conflicts (2 of 4 stars). 4 submissions from 4 submitters: Likely benign (4). Last evaluated 2025-07-09.

Conditions:
Hypertrophic cardiomyopathy 1 (CMH1). Also called: MYH7-Related Familial Hypertrophic Cardiomyopathy; Familial hypertrophic cardiomyopathy 1. Identifiers: MedGen C3495498, MONDO:0008647, OMIM 192600.
Myosin storage myopathy (CMYO7A). Also called: SCAPULOPERONEAL MUSCULAR DYSTROPHY; SCAPULOPERONEAL SYNDROME, MYOPATHIC TYPE; MYH7-related late-onset scapuloperoneal muscular dystrophy; Congenital myopathy 7A, myosin storage, autosomal dominant; MYOPATHY WITH LYSIS OF TYPE I MYOFIBRILS; Scapuloperoneal myopathy, MYH7-related. Identifiers: Orphanet 437572, Orphanet 636965, MedGen C1842160, MONDO:0008409, OMIM 608358.
Congenital myopathy with fiber type disproportion. Also called: Congenital fiber-type disproportion myopathy; Congenital fiber-type disproportion. Identifiers: Orphanet 2020, MedGen C0546264, MONDO:0009711. Inheritance: all.
Myopathy, myosin storage, autosomal recessive (CMYO7B). Also called: CONGENITAL MYOPATHY 7B, MYOSIN STORAGE, AUTOSOMAL RECESSIVE. Identifiers: Orphanet 636970, MedGen C1850709, MONDO:0009708, OMIM 255160.
MYH7-related skeletal myopathy. Also called: Laing distal myopathy; Myopathy, distal, 1; MYOPATHY, DISTAL, EARLY-ONSET, AUTOSOMAL DOMINANT; MYOPATHY, LATE DISTAL HEREDITARY; Laing early-onset distal myopathy. Identifiers: Orphanet 59135, MedGen C4552004, MONDO:0008050, OMIM 160500.
Dilated cardiomyopathy 1S (CMD1S). Identifiers: Orphanet 154, Orphanet 54260, MedGen C1834481, MONDO:0013262, OMIM 613426.
Hypertrophic cardiomyopathy. Also called: HYPERTROPHIC MYOCARDIOPATHY. Identifiers: Orphanet 217569, MedGen C0007194, MeSH D002312, MONDO:0005045, HP:0001639.

Allele frequency attached by ClinVar (database versions not stated): gnomAD below 0.00001 and 0.00001; TOPMed 0.00001; ExAC 0.00007; gnomAD exomes 0.00007; 1000 Genomes Project 30x 0.00016; 1000 Genomes Project 0.00020.
gnomAD v4.1: 41 of 1,614,142 alleles (0.0025%); highest among the groups gnomAD compares: South Asian, 0.041%; no homozygotes.

Submissions (4):

Labcorp Genetics (formerly Invitae), Labcorp
Classification: Likely benign for Hypertrophic cardiomyopathy. Last evaluated: 2025-07-09. Review status: criteria provided, single submitter. Criteria: Invitae Variant Classification Sherloc (09022015). Collection method: clinical testing. Allele origin: germline.

Fulgent Genetics
Classification: Likely benign for MYH7-related skeletal myopathy; Myosin storage myopathy; Hypertrophic cardiomyopathy 1; Myopathy, myosin storage, autosomal recessive; Congenital myopathy 4A, autosomal dominant; Dilated cardiomyopathy 1S. Last evaluated: 2021-10-05. Review status: criteria provided, single submitter. Criteria: ACMG Guidelines, 2015. Collection method: clinical testing. Allele origin: unknown.

GeneDx
Classification: Likely benign. Last evaluated: 2016-03-31. Review status: criteria provided, single submitter. Criteria: GeneDx Variant Classification (06012015). Collection method: clinical testing. Allele origin: germline. Affected: yes.
Comment: This variant is considered likely benign or benign based on one or more of the following criteria: it is a conservative change, it occurs at a poorly conserved position in the protein, it is predicted to be benign by multiple in silico algorithms, and/or has population frequency not consistent with disease.

Laboratory for Molecular Medicine, Mass General Brigham Personalized Medicine
Classification: Likely benign. Last evaluated: 2013-01-12. Review status: criteria provided, single submitter. Criteria: LMM Criteria. Collection method: clinical testing. Allele origin: germline. Observed: 1 variant allele.
Comment: 4953+13A>T in intron 34 of MYBPC3: This variant is not expected to have clinical significance because it is not located within the splice consensus sequence. 4 953+13A>T in intron 34 of MYBPC3 (allele frequency = n/a)